The following is an entry in ClinVar:

ClinVar aggregate classification (germline): Likely pathogenic (1 of 4 stars; one submission).

Conditions:
Dworschak-Punetha neurodevelopmental syndrome (DWOPNED). Identifiers: MedGen C5677017, MONDO:0859260, OMIM 619955.

Submission:

OLLIN Analises Genomicas, OLLIN
Classification: Likely pathogenic for Dworschak-Punetha neurodevelopmental syndrome. Last evaluated: 2026-08-06. Review status: criteria provided, single submitter. Criteria: ACMG Guidelines 2015 PMID 25741868. Collection method: clinical testing. Allele origin: germline. Inheritance: Autosomal recessive inheritance.
Comment: This nonsense variant, located in exon 22 (of 32), is absent from gnomAD and ClinVar and has not been identified in the literature. This variant introduces a premature stop codon, which is predicted to result in either a truncated protein or degradation of the mRNA via nonsense-mediated decay (NMD). According to the currently available evidence, this variant has been classified as likely pathogenic (PVS1, PM2_P).

NM_032242.4(PLXNA1):c.4249G>T (p.Glu1417Ter)

Gene: PLXNA1 (plexin A1; plus strand). Cytogenetic location: 3q21.3.
Variant type: single nucleotide variant.
Coding change: c.4249G>T on transcript NM_032242.4 (MANE Select); coding-DNA position 4249, G replaced by T.
Protein change: p.Glu1417Ter; replaces glutamic acid 1417 with a stop codon.
Molecular consequence: nonsense.
Genome position (GRCh38, 1-based): chr3:127,022,295, G>T. VCF-style: chr3-127022295-G-T. GRCh37 (hg19) VCF-style: chr3-126741138-G-T.
Other names: short protein forms E1417*.
Identifiers: ClinVar variation 5003073 (VCV005003073.1).